The following is an entry in ClinVar:

NM_000350.3(ABCA4):c.4229A>G (p.Tyr1410Cys)

Gene: ABCA4 (ATP binding cassette subfamily A member 4; minus strand). Cytogenetic location: 1p22.1.
Variant type: single nucleotide variant.
Coding change: c.4229A>G on transcript NM_000350.3 (MANE Select); coding-DNA position 4229, A replaced by G.
Protein change: p.Tyr1410Cys; replaces tyrosine 1410 with cysteine.
Molecular consequence: missense variant.
Genome position (GRCh38, 1-based): chr1:94,031,020, T>C on the plus strand (A>G on the coding strand, the complement: ABCA4 is on the minus strand). VCF-style: chr1-94031020-T-C. GRCh37 (hg19) VCF-style: chr1-94496576-T-C.
Other names: c.4007A>G, p.Tyr1336Cys (NM_001425324.1); short protein forms Y1410C, Y1336C.
Identifiers: ClinVar variation 1442239 (VCV001442239.6), dbSNP rs1660186110, ClinGen allele CA341286116.

ClinVar aggregate classification (germline): Uncertain significance (1 of 4 stars; one submission).

Submission:

Labcorp Genetics (formerly Invitae), Labcorp
Classification: Uncertain significance. Last evaluated: 2022-10-24. Review status: criteria provided, single submitter. Criteria: Invitae Variant Classification Sherloc (09022015). Collection method: clinical testing. Allele origin: germline.
Comment: This missense change has been observed in individual(s) with retinitis pigmentosa (Invitae). ClinVar contains an entry for this variant (Variation ID: 1442239). Advanced modeling of protein sequence and biophysical properties (such as structural, functional, and spatial information, amino acid conservation, physicochemical variation, residue mobility, and thermodynamic stability) performed at Invitae indicates that this missense variant is expected to disrupt ABCA4 protein function. In summary, the available evidence is currently insufficient to determine the role of this variant in disease. Therefore, it has been classified as a Variant of Uncertain Significance. This variant is not present in population databases (gnomAD no frequency). This sequence change replaces tyrosine, which is neutral and polar, with cysteine, which is neutral and slightly polar, at codon 1410 of the ABCA4 protein (p.Tyr1410Cys).